The following is an entry in ClinVar:

ClinVar aggregate classification (germline): Likely pathogenic (1 of 4 stars; one submission).

Submission:

Athena Diagnostics
Classification: Likely pathogenic. Last evaluated: 2022-12-21. Review status: criteria provided, single submitter. Criteria: Athena Diagnostics Criteria. Collection method: clinical testing. Allele origin: unknown.
Comment: The frequency of this variant in the general population is consistent with pathogenicity. This variant has been identified in at least one individual with autosomal recessive myotonia congenita. This variant segregates with autosomal recessive myotonia congenita in at least one family.

Literature cited by the submitters: PubMed 33263785; PubMed 29606556.

NM_000083.3(CLCN1):c.2416GAGCAG[3] (p.Gln809_Leu810insGluGln)

Gene: CLCN1 (chloride voltage-gated channel 1; plus strand). Cytogenetic location: 7q34.
Variant type: Microsatellite.
Coding change: c.2416GAGCAG[3] on transcript NM_000083.3 (MANE Select); three copies in a row of the 6-base unit GAGCAG starting at c.2416; the reference has two copies in a row; one copy, 6 bases duplicated.
Protein change: p.Gln809_Leu810insGluGln.
Molecular consequence: inframe insertion. On other transcripts: non-coding transcript variant (1).
Genome position (GRCh38, 1-based): chr7:143,350,390-143,350,395, GAGCAG duplicated; duplicating any 6 consecutive bases within chr7:143,350,383-143,350,395 gives the same sequence; the position shown is the placement nearest the transcript's 3' end. VCF-style (leftmost placement, unchanged base first): chr7-143350382-G-GGGAGCA. GRCh37 (hg19) VCF-style: chr7-143047475-G-GGGAGCA.
Identifiers: ClinVar variation 2684161 (VCV002684161.1), dbSNP rs1803359070, ClinGen allele CA1108132881.